The following is an entry in ClinVar:

NM_001287491.2(TET3):c.3741G>A (p.Arg1247=)

Gene: TET3 (tet methylcytosine dioxygenase 3; plus strand). Cytogenetic location: 2p13.1.
Variant type: single nucleotide variant.
Coding change: c.3741G>A on transcript NM_001287491.2 (MANE Select); coding-DNA position 3741, G replaced by A.
Protein change: p.Arg1247=; no amino-acid change (arginine 1247 retained).
Molecular consequence: synonymous variant.
Genome position (GRCh38, 1-based): chr2:74,100,529, G>A. VCF-style: chr2-74100529-G-A. GRCh37 (hg19) VCF-style: chr2-74327656-G-A.
Other names: c.3462G>A, p.Arg1154= (NM_001366022.1); c.3336G>A, p.Arg1112= (NM_144993.1).
Identifiers: ClinVar variation 2651049 (VCV002651049.24), dbSNP rs371707995, ClinGen allele CA1719083.

ClinVar aggregate classification (germline): Likely benign (1 of 4 stars; one submission).

Allele frequency attached by ClinVar (database versions not stated): gnomAD 0.00005; gnomAD exomes 0.00007; TOPMed 0.00007; ESP Exome Variant Server 0.00008; ExAC 0.00009.
gnomAD v4.1: 111 of 1,610,482 alleles (0.0069%); highest among the groups gnomAD compares: Non-Finnish European, 0.0078%; no homozygotes.

Submission:

CeGaT Center for Human Genetics Tuebingen
Classification: Likely benign. Last evaluated: 2025-02-01. Review status: criteria provided, single submitter. Criteria: CeGaT Center For Human Genetics Tuebingen Variant Classification Criteria Version 2. Collection method: clinical testing. Allele origin: germline. Affected: yes. Observed: 3 variant alleles.
Comment: TET3: BP4